The following is an entry in ClinVar:

NM_000381.4(MID1):c.757G>A (p.Val253Ile)

Gene: MID1 (midline 1; minus strand). Cytogenetic location: Xp22.2.
Variant type: single nucleotide variant.
Coding change: c.757G>A on transcript NM_000381.4 (MANE Select); coding-DNA position 757, G replaced by A.
Protein change: p.Val253Ile; replaces valine 253 with isoleucine.
Molecular consequence: missense variant.
Genome position (GRCh38, 1-based): chrX:10,495,691, C>T on the plus strand (G>A on the coding strand, the complement: MID1 is on the minus strand). VCF-style: chrX-10495691-C-T. GRCh37 (hg19) VCF-style: chrX-10463731-C-T.
Other names: c.757G>A, p.Val253Ile (NM_001098624.2, NM_001193277.1, NM_001193279.1 and 2 more transcripts); c.910G>A, p.Val304Ile (NM_001193278.1); c.643G>A, p.Val215Ile (NM_001193280.1, NM_033289.2); short protein forms V215I, V253I, V304I.
Identifiers: ClinVar variation 4536728 (VCV004536728.1).

ClinVar aggregate classification (germline): Uncertain significance (1 of 4 stars; one submission).

gnomAD v4.1: 6 of 1,173,216 alleles (0.00051%); highest among the groups gnomAD compares: Non-Finnish European, 0.0007%; no homozygotes.

Submission:

Women's Health and Genetics/Laboratory Corporation of America, LabCorp
Classification: Uncertain significance. Last evaluated: 2025-11-13. Review status: criteria provided, single submitter. Criteria: LabCorp Variant Classification Summary - May 2015. Collection method: clinical testing. Allele origin: germline.
Comment: Variant summary: MID1 c.757G>A (p.Val253Ile) results in a conservative amino acid change in the encoded protein sequence. Algorithms developed to predict the effect of missense changes on protein structure and function are either unavailable or do not agree on the potential impact of this missense change. Consensus agreement among computation tools predict no significant impact on normal splicing. However, these predictions have yet to be confirmed by functional studies. The variant allele was found at a frequency of 5.5e-06 in 182973 control chromosomes. The available data on variant occurrences in the general population are insufficient to allow any conclusion about variant significance. To our knowledge, no occurrence of c.757G>A in individuals affected with MID1-related conditions and no experimental evidence demonstrating its impact on protein function have been reported. No submitters have cited clinical-significance assessments for this variant to ClinVar. Based on the evidence outlined above, the variant was classified as uncertain significance.